The following is an entry in ClinVar:

NM_000051.4(ATM):c.6145T>C (p.Tyr2049His)

Genes: C11orf65 (chromosome 11 open reading frame 65; minus strand), ATM (ATM serine/threonine kinase; plus strand). Cytogenetic location: 11q22.3.
Variant type: single nucleotide variant.
Coding change: c.6145T>C on transcript NM_000051.4 (MANE Select); coding-DNA position 6145, T replaced by C.
Protein change: p.Tyr2049His; replaces tyrosine 2049 with histidine.
Molecular consequence: missense variant. On other transcripts: intron variant (2).
Genome position (GRCh38, 1-based): chr11:108,316,060, T>C. VCF-style: chr11-108316060-T-C. GRCh37 (hg19) VCF-style: chr11-108186787-T-C.
Other names: c.6145T>C, p.Tyr2049His (NM_001351834.2); c.641-6989A>G (NM_001330368.2); c.*39-6989A>G (NM_001351110.2); short protein forms Y2049H.
Identifiers: ClinVar variation 2993095 (VCV002993095.3), dbSNP rs786203767, ClinGen allele CA382550545.
Genomic context (GRCh38, chr11:108,316,060, plus strand): 5'-TTTTCTTATAGACTACGAACATATGAACACGAAGCAATGTGGGGCAAAGCCCTAGTAACA[T>C]ATGACCTCGAAACAGCAATCCCCTCATCAACACGCCAGGCAGGAATCATTCAGGTACATT-3'
Protein context (NP_000042.3, residues 2039-2059): EAMWGKALVT[Tyr2049His]DLETAIPSST

ClinVar aggregate classification (germline): Uncertain significance (1 of 4 stars; one submission).

Conditions:
Ataxia-telangiectasia syndrome (AT). Also called: ATAXIA-TELANGIECTASIA, COMPLEMENTATION GROUP A; ATAXIA-TELANGIECTASIA, FRESNO VARIANT; Ataxia-telangiectasia; Ataxia-telangiectasia, complementation group E; LOUIS-BAR SYNDROME; Cerebello-oculocutaneous telangiectasia. Identifiers: Orphanet 100, MedGen C0004135, MONDO:0008840, OMIM 208900.

Submission:

Labcorp Genetics (formerly Invitae), Labcorp
Classification: Uncertain significance for Ataxia-telangiectasia syndrome. Last evaluated: 2023-09-09. Review status: criteria provided, single submitter. Criteria: Invitae Variant Classification Sherloc (09022015). Collection method: clinical testing. Allele origin: germline.
Comment: In summary, the available evidence is currently insufficient to determine the role of this variant in disease. Therefore, it has been classified as a Variant of Uncertain Significance. An algorithm developed to predict the effect of missense changes on protein structure and function (PolyPhen-2) suggests that this variant is likely to be tolerated. This variant has not been reported in the literature in individuals affected with ATM-related conditions. This variant is not present in population databases (gnomAD no frequency). This sequence change replaces tyrosine, which is neutral and polar, with histidine, which is basic and polar, at codon 2049 of the ATM protein (p.Tyr2049His).